The following is an entry in ClinVar:

NM_000169.3(GLA):c.334C>G (p.Arg112Gly)

Genes: GLA (galactosidase alpha; minus strand), RPL36A-HNRNPH2 (RPL36A-HNRNPH2 readthrough; plus strand). Cytogenetic location: Xq22.1.
Variant type: single nucleotide variant.
Coding change: c.334C>G on transcript NM_000169.3 (MANE Select); coding-DNA position 334, C replaced by G.
Protein change: p.Arg112Gly; replaces arginine 112 with glycine.
Molecular consequence: missense variant. On other transcripts: non-coding transcript variant (3), intron variant (2).
Genome position (GRCh38, 1-based): chrX:101,403,846, G>C on the plus strand (C>G on the coding strand, the complement: GLA is on the minus strand). VCF-style: chrX-101403846-G-C. GRCh37 (hg19) VCF-style: chrX-100658834-G-C.
Other names: c.457C>G, p.Arg153Gly (NM_001406747.1, NM_001406749.1); c.334C>G, p.Arg112Gly (NM_001406748.1); c.301-8090G>C (NM_001199973.2); c.178-8090G>C (NM_001199974.2); short protein forms R112G, R153G.
Identifiers: ClinVar variation 4087341 (VCV004087341.2).

ClinVar aggregate classification (germline): Likely pathogenic (1 of 4 stars; one submission).

Conditions:
Fabry disease. Also called: ALPHA-GALACTOSIDASE A DEFICIENCY; ANDERSON-FABRY DISEASE; CERAMIDE TRIHEXOSIDASE DEFICIENCY; GLA DEFICIENCY; HEREDITARY DYSTOPIC LIPIDOSIS; Angiokeratoma corporis diffusum. Identifiers: Orphanet 324, MedGen C0002986, MONDO:0010526, OMIM 301500, HP:0001071. Disease mechanism: Fabry disease is due to inactivating mutations in the X-linked GLA gene resulting in deficiency of the enzyme Alpha Galactosidase-A., loss of function.

Submission:

Genomenon, Inc
Classification: Likely pathogenic for Fabry disease. Last evaluated: 2026-09-08. Review status: criteria provided, single submitter. Criteria: Genomenon Sequence Variant Interpretation Standards - Updated. Collection method: curation. Allele origin: germline. Affected: yes.
Comment: GLA p.Arg112Gly (c.334C>G) is a missense variant that changes the amino acid at codon 112 from Arginine to Glycine. This variant has been observed in at least one proband with clinical features consistent with Fabry disease (PMID:27657681). At least one functional study has demonstrated a substantial alteration in protein function relative to the wild-type (PMID:27657681). It is absent or not present at a significant frequency in gnomAD. In silico models predict that this variant is possibly or probably damaging. In conclusion, we classify GLA p.Arg112Gly (c.334C>G) as a likely pathogenic variant.

Literature cited by the submitters: PubMed 27657681.